The following is an entry in ClinVar:

ClinVar aggregate classification (germline): Pathogenic (1 of 4 stars; one submission).

Conditions:
Ectodermal dysplasia. Also called: Ectodermal dysplasia syndrome. Identifiers: Orphanet 79373, MedGen C0013575, MONDO:0019287, HP:0000968.

Submission:

Genetics Laboratory, Great Ormond Street Hospital NHS Foundation Trust, North Thames Genomic Laboratory Hub
Classification: Pathogenic for Ectodermal dysplasia. Last evaluated: 2025-10-09. Review status: criteria provided, single submitter. Criteria: ACGS Best Practice Guidelines for Variant Classification in Rare Disease 2024 v1.2. Collection method: clinical testing. Allele origin: germline. Affected: yes.
Comment: PM2_moderate, PVS1_very-strong

NM_002336.3(LRP6):c.3885_3892del (p.Cys1295fs)

Gene: LRP6 (LDL receptor related protein 6; minus strand). Cytogenetic location: 12p13.2.
Variant type: Deletion.
Coding change: c.3885_3892del on transcript NM_002336.3 (MANE Select); coding-DNA positions 3885 to 3892, 8 bases deleted (TGCCAGTG; older notation c.3885_3892delTGCCAGTG).
Protein change: p.Cys1295fs; shifts the reading frame from cysteine 1295.
Molecular consequence: frameshift variant. On other transcripts: non-coding transcript variant (1), intron variant (1).
Genome position (GRCh38, 1-based): chr12:12,131,899-12,131,906, CACTGGCA deleted on the plus strand (TGCCAGTG on the coding strand, the reverse complement: LRP6 is on the minus strand); deleting any 8 consecutive bases within chr12:12,131,899-12,131,912 gives the same sequence; the c. name uses the placement nearest the transcript's 3' end. VCF-style (leftmost placement, unchanged base first): chr12-12131898-CCACTGGCA-C. GRCh37 (hg19) VCF-style: chr12-12284832-CCACTGGCA-C.
Other names: c.3608-1013_3608-1006del (NM_001414251.1); c.3978_3985del, p.Cys1326fs (NM_001414244.1); c.3885_3892del, p.Cys1295fs (NM_001414245.1, NM_001414248.1, NM_001414249.1 and 1 more transcripts); c.3750_3757del, p.Cys1250fs (NM_001414246.1); c.3687_3694del, p.Cys1229fs (NM_001414247.1); c.3432_3439del, p.Cys1144fs (NM_001414252.1, NM_001414253.1, NM_001414254.1); c.3378_3385del, p.Cys1126fs (NM_001414255.1); short protein forms C1126fs, C1144fs, C1229fs, C1250fs, C1295fs, C1326fs.
Identifiers: ClinVar variation 4533369 (VCV004533369.1).
Genomic context (GRCh38, chr12:12,131,898, plus strand): 5'-TCTGATTTGTCCTGGCAGTTTGCATCTCCATTGCATCGGAGGGCACCATCAATACACTGC[CCACTGGCA>C]CACTGGAACTGGGACTCTGAGCATACAGGACAATTGAGTTCATCACTGTGGTCTTCACAT-3'